The following is an entry in ClinVar:

ClinVar aggregate classification (germline): Uncertain significance (1 of 4 stars; one submission).

Conditions:
Neuropathy, hereditary sensory and autonomic, type 2A (HSAN2A). Also called: ACROOSTEOLYSIS, GIACCAI TYPE; ACROOSTEOLYSIS, NEUROGENIC; WNK1-Related HSAN2 (HSAN2A); MORVAN DISEASE; NEUROPATHY, CONGENITAL SENSORY; NEUROPATHY, HEREDITARY SENSORY RADICULAR, AUTOSOMAL RECESSIVE. Identifiers: Orphanet 970, MedGen C2752089, MONDO:0024309, OMIM 201300.
Generalized epilepsy with febrile seizures plus, type 7 (GEFSP7). Also called: GEFS+, TYPE 7. Identifiers: Orphanet 36387, MedGen C2751778, MONDO:0013470, OMIM 613863.

Allele frequency attached by ClinVar (database versions not stated): gnomAD exomes below 0.00001.
gnomAD v4.1: 2 of 1,613,236 alleles (0.00012%); highest among the groups gnomAD compares: Non-Finnish European, 0.00017%; no homozygotes.

Submission:

Labcorp Genetics (formerly Invitae), Labcorp
Classification: Uncertain significance for Neuropathy, hereditary sensory and autonomic, type 2A; Generalized epilepsy with febrile seizures plus, type 7. Last evaluated: 2023-09-18. Review status: criteria provided, single submitter. Criteria: Invitae Variant Classification Sherloc (09022015). Collection method: clinical testing. Allele origin: germline.
Comment: In summary, the available evidence is currently insufficient to determine the role of this variant in disease. Therefore, it has been classified as a Variant of Uncertain Significance. Advanced modeling of protein sequence and biophysical properties (such as structural, functional, and spatial information, amino acid conservation, physicochemical variation, residue mobility, and thermodynamic stability) performed at Invitae indicates that this missense variant is not expected to disrupt SCN9A protein function. This variant has not been reported in the literature in individuals affected with SCN9A-related conditions. This variant is not present in population databases (gnomAD no frequency). This sequence change replaces serine, which is neutral and polar, with threonine, which is neutral and polar, at codon 50 of the SCN9A protein (p.Ser50Thr).

NM_001365536.1(SCN9A):c.149G>C (p.Ser50Thr)

Gene: SCN9A (sodium voltage-gated channel alpha subunit 9; minus strand). Cytogenetic location: 2q24.3.
Variant type: single nucleotide variant.
Coding change: c.149G>C on transcript NM_001365536.1 (MANE Select); coding-DNA position 149, G replaced by C.
Protein change: p.Ser50Thr; replaces serine 50 with threonine.
Molecular consequence: missense variant.
Genome position (GRCh38, 1-based): chr2:166,311,608, C>G on the plus strand (G>C on the coding strand, the complement: SCN9A is on the minus strand). VCF-style: chr2-166311608-C-G. GRCh37 (hg19) VCF-style: chr2-167168118-C-G.
Other names: c.149G>C, p.Ser50Thr (NM_002977.4); short protein forms S50T.
Identifiers: ClinVar variation 2931543 (VCV002931543.3), dbSNP rs2468154542, ClinGen allele CA349096000.